The following is an entry in ClinVar:

NM_001492.6(GDF1):c.1028C>G (p.Ser343Trp)

Genes: CERS1 (ceramide synthase 1; minus strand), GDF1 (growth differentiation factor 1; minus strand). Cytogenetic location: 19p13.11.
Variant type: single nucleotide variant.
Coding change: c.1028C>G on transcript NM_001492.6 (MANE Select); coding-DNA position 1028, C replaced by G.
Protein change: p.Ser343Trp; replaces serine 343 with tryptophan.
Molecular consequence: missense variant. On other transcripts: 3 prime UTR variant (2).
Genome position (GRCh38, 1-based): chr19:18,868,688, G>C on the plus strand (C>G on the coding strand, the complement: GDF1 is on the minus strand). VCF-style: chr19-18868688-G-C. GRCh37 (hg19) VCF-style: chr19-18979497-G-C.
Other names: c.*1889C>G (NM_001387440.1); c.*1297C>G (NM_021267.5); c.1028C>G, p.Ser343Trp (NM_001387438.1); short protein forms S343W.
Identifiers: ClinVar variation 959657 (VCV000959657.10), dbSNP rs2055898931, ClinGen allele CA404861869.
Genomic context (GRCh38, chr19:18,868,688, plus strand): 5'-TCCTCATACTGCCGCAGCACCACGTTGTCGCTGTTGTCAAAGAAGAGCACGGAGATGGGC[G>C]ACAGGCGCGCGGGCACGCAGCAGGGCAGGTCGGCGGCTCCCGGGGCGGCCGCGTGCATGA-3'
Protein context (NP_001483.3, residues 333-353): DLPCCVPARL[Ser343Trp]PISVLFFDNS

ClinVar aggregate classification (germline): Uncertain significance (1 of 4 stars; one submission).

Submission:

Labcorp Genetics (formerly Invitae), Labcorp
Classification: Uncertain significance. Last evaluated: 2019-08-08. Review status: criteria provided, single submitter. Criteria: Invitae Variant Classification Sherloc (09022015). Collection method: clinical testing. Allele origin: germline.
Comment: In summary, the available evidence is currently insufficient to determine the role of this variant in disease. Therefore, it has been classified as a Variant of Uncertain Significance. Algorithms developed to predict the effect of missense changes on protein structure and function (SIFT, PolyPhen-2, Align-GVGD) all suggest that this variant is likely to be disruptive, but these predictions have not been confirmed by published functional studies and their clinical significance is uncertain. This variant has not been reported in the literature in individuals with GDF1-related conditions. This variant is not present in population databases (ExAC no frequency). This sequence change replaces serine with tryptophan at codon 343 of the GDF1 protein (p.Ser343Trp). The serine residue is highly conserved and there is a large physicochemical difference between serine and tryptophan.